The following is an entry in ClinVar:

NM_004006.3(DMD):c.1294_1295dup (p.Cys433fs)

Gene: DMD (dystrophin; minus strand). Cytogenetic location: Xp21.1.
Variant type: Duplication.
Coding change: c.1294_1295dup on transcript NM_004006.3 (MANE Select); coding-DNA positions 1294 to 1295, 2 bases duplicated (GA; older notation c.1294_1295dupGA).
Protein change: p.Cys433fs; shifts the reading frame from cysteine 433.
Molecular consequence: frameshift variant.
Genome position (GRCh38, 1-based): chrX:32,644,168-32,644,169, TC duplicated on the plus strand (GA on the coding strand, the reverse complement: DMD is on the minus strand). VCF-style (leftmost placement, unchanged base first): chrX-32644167-T-TTC. GRCh37 (hg19) VCF-style: chrX-32662284-T-TTC.
Other names: c.1270_1271dup, p.Cys425fs (NM_000109.4); c.1282_1283dup, p.Cys429fs (NM_004009.3); c.925_926dup, p.Cys310fs (NM_004010.3); short protein forms C310fs, C425fs, C429fs, C433fs.
Identifiers: ClinVar variation 960509 (VCV000960509.10), dbSNP rs2059642653, ClinGen allele CA1139667383.
Genomic context (GRCh38, chrX:32,644,167, plus strand): 5'-TAATTAAAAACAAATAAGGACTTACTTGCTTTGTTTTTCCATGCTAGCTACCCTGAGGCA[T>TTC]TCCCATCTTGAATTTAGGAGATTCATCTGCTCTTGTACTTCAGTTTCTTCATCTTCTGAT-3'

ClinVar aggregate classification (germline): Pathogenic. Review status: criteria provided, multiple submitters, no conflicts (2 of 4 stars). 2 submissions from 2 submitters: Pathogenic (2). Last evaluated 2022-09-19.

Conditions:
Duchenne muscular dystrophy (DMD). Also called: MUSCULAR DYSTROPHY, PSEUDOHYPERTROPHIC PROGRESSIVE, DUCHENNE TYPE; Duchenne Muscular Dystrophy (DMD). Identifiers: Orphanet 98896, MedGen C0013264, MONDO:0010679, OMIM 310200.

Submissions (2):

Revvity Omics, Revvity
Classification: Pathogenic. Last evaluated: 2022-09-19. Review status: criteria provided, single submitter. Criteria: ACMG Guidelines, 2015. Collection method: clinical testing. Allele origin: germline.

Labcorp Genetics (formerly Invitae), Labcorp
Classification: Pathogenic for Duchenne muscular dystrophy. Last evaluated: 2019-09-29. Review status: criteria provided, single submitter. Criteria: Invitae Variant Classification Sherloc (09022015). Collection method: clinical testing. Allele origin: germline.
Comment: This sequence change creates a premature translational stop signal (p.Cys433Asnfs*5) in the DMD gene. It is expected to result in an absent or disrupted protein product. This variant is not present in population databases (ExAC no frequency). This variant has not been reported in the literature in individuals with DMD-related conditions. Loss-of-function variants in DMD are known to be pathogenic (PMID: 16770791, 25007885). For these reasons, this variant has been classified as Pathogenic.

Literature cited by the submitters: PubMed 16770791 (cited by Labcorp Genetics (formerly Invitae), Labcorp); PubMed 25007885 (cited by Labcorp Genetics (formerly Invitae), Labcorp).